The following is an entry in ClinVar:

NM_001384732.1(CPLANE1):c.2572G>A (p.Glu858Lys)

Gene: CPLANE1 (ciliogenesis and planar polarity effector complex subunit 1; minus strand). Cytogenetic location: 5p13.2.
Variant type: single nucleotide variant.
Coding change: c.2572G>A on transcript NM_001384732.1 (MANE Select); coding-DNA position 2572, G replaced by A.
Protein change: p.Glu858Lys; replaces glutamic acid 858 with lysine.
Molecular consequence: missense variant.
Genome position (GRCh38, 1-based): chr5:37,224,262, C>T on the plus strand (G>A on the coding strand, the complement: CPLANE1 is on the minus strand). VCF-style: chr5-37224262-C-T. GRCh37 (hg19) VCF-style: chr5-37224364-C-T.
Other names: c.2572G>A, p.Glu858Lys (NM_023073.4); short protein forms E858K.
Identifiers: ClinVar variation 1450051 (VCV001450051.5), dbSNP rs533506472, ClinGen allele CA3239030.

ClinVar aggregate classification (germline): Uncertain significance (1 of 4 stars; one submission).

Allele frequency attached by ClinVar (database versions not stated): TOPMed 0.00002; ExAC 0.00014; 1000 Genomes Project 30x 0.00047; gnomAD exomes 0.00003.
gnomAD v4.1: 61 of 1,546,486 alleles (0.0039%); highest among the groups gnomAD compares: African/African-American, 0.014%; no homozygotes.

Submission:

Labcorp Genetics (formerly Invitae), Labcorp
Classification: Uncertain significance. Last evaluated: 2022-11-01. Review status: criteria provided, single submitter. Criteria: Invitae Variant Classification Sherloc (09022015). Collection method: clinical testing. Allele origin: germline.
Comment: This sequence change replaces glutamic acid, which is acidic and polar, with lysine, which is basic and polar, at codon 858 of the CPLANE1 protein (p.Glu858Lys). This variant is present in population databases (rs533506472, gnomAD 0.01%). This variant has not been reported in the literature in individuals affected with CPLANE1-related conditions. ClinVar contains an entry for this variant (Variation ID: 1450051). Advanced modeling of protein sequence and biophysical properties (such as structural, functional, and spatial information, amino acid conservation, physicochemical variation, residue mobility, and thermodynamic stability) performed at Invitae indicates that this missense variant is not expected to disrupt CPLANE1 protein function. In summary, the available evidence is currently insufficient to determine the role of this variant in disease. Therefore, it has been classified as a Variant of Uncertain Significance.